The following is an entry in ClinVar:

NM_003000.3(SDHB):c.292T>C (p.Cys98Arg)

Gene: SDHB (succinate dehydrogenase complex iron sulfur subunit B; minus strand). Cytogenetic location: 1p36.13.
Variant type: single nucleotide variant.
Coding change: c.292T>C on transcript NM_003000.3 (MANE Select); coding-DNA position 292, T replaced by C.
Protein change: p.Cys98Arg; replaces cysteine 98 with arginine.
Molecular consequence: missense variant.
Genome position (GRCh38, 1-based): chr1:17,028,731, A>G on the plus strand (T>C on the coding strand, the complement: SDHB is on the minus strand). VCF-style: chr1-17028731-A-G. GRCh37 (hg19) VCF-style: chr1-17355226-A-G.
Other names: c.292T>C, p.Cys98Arg (NM_001407361.1); short protein forms C98R.
Identifiers: ClinVar variation 2678644 (VCV002678644.5), dbSNP rs2525020920, ClinGen allele CA338275224.

ClinVar aggregate classification (germline): Pathogenic/Likely pathogenic. Review status: criteria provided, multiple submitters, no conflicts (2 of 4 stars). 3 submissions from 3 submitters: Pathogenic (2); Likely pathogenic (1). Last evaluated 2026-08-06.

Conditions:
Inherited phaeochromocytoma and paraganglioma excluding NF1.
Pheochromocytoma. Also called: MAX-Related Hereditary Paraganglioma-Pheochromocytoma Syndrome. Identifiers: Orphanet 29072, MedGen C0031511, MONDO:0008233, OMIM 171300, HP:0002666.
Gastrointestinal stromal tumor. Also called: Gastrointestinal stromal tumor, somatic; Gastrointestinal stroma tumor. Identifiers: Orphanet 44890, MedGen C0238198, MeSH D046152, MONDO:0011719, OMIM 606764, HP:0100723.
Pheochromocytoma/paraganglioma syndrome 4. Also called: CAROTID BODY TUMORS AND MULTIPLE EXTRAADRENAL PHEOCHROMOCYTOMAS; PARAGANGLIOMA, FAMILIAL MALIGNANT; PARAGANGLIOMAS, HEREDITARY EXTRAADRENAL; PHEOCHROMOCYTOMA, FAMILIAL EXTRAADRENAL; Paragangliomas 4; SDHB-Related Hereditary Paraganglioma-Pheochromocytoma Syndrome (Paragangliomas 4). Identifiers: Orphanet 29072, MedGen C1861848, MONDO:0007273, OMIM 115310.

Submissions (3):

NHS Central & South Genomic Laboratory Hub
Classification: Pathogenic for Inherited phaeochromocytoma and paraganglioma excluding NF1. Last evaluated: 2026-08-06. Review status: criteria provided, single submitter. Criteria: ACMG Guidelines, 2015. Collection method: clinical testing. Allele origin: germline. Affected: yes.

Labcorp Genetics (formerly Invitae), Labcorp
Classification: Pathogenic for Gastrointestinal stromal tumor; Pheochromocytoma/paraganglioma syndrome 4; Pheochromocytoma. Last evaluated: 2024-08-27. Review status: criteria provided, single submitter. Criteria: Invitae Variant Classification Sherloc (09022015). Collection method: clinical testing. Allele origin: germline.
Comment: This sequence change replaces cysteine, which is neutral and slightly polar, with arginine, which is basic and polar, at codon 98 of the SDHB protein (p.Cys98Arg). This variant is not present in population databases (gnomAD no frequency). This missense change has been observed in individuals with paraganglioma-pheochromocytoma syndrome (PMID: 16317055, 18419787, 29386252, 29951630, 31492822). Invitae Evidence Modeling of protein sequence and biophysical properties (such as structural, functional, and spatial information, amino acid conservation, physicochemical variation, residue mobility, and thermodynamic stability) indicates that this missense variant is expected to disrupt SDHB protein function with a positive predictive value of 80%. This variant disrupts the p.Cys98 amino acid residue in SDHB. Other variant(s) that disrupt this residue have been determined to be pathogenic (PMID: 16317055, 17848412, 20208144; internal data). This suggests that this residue is clinically significant, and that variants that disrupt this residue are likely to be disease-causing. For these reasons, this variant has been classified as Pathogenic.

Baylor Genetics
Classification: Likely pathogenic for Gastrointestinal stromal tumor. Last evaluated: 2023-09-02. Review status: criteria provided, single submitter. Criteria: ACMG Guidelines, 2015. Collection method: clinical testing. Allele origin: unknown.

Literature cited by the submitters: PubMed 16317055 (cited by Labcorp Genetics (formerly Invitae), Labcorp); PubMed 18419787 (cited by Labcorp Genetics (formerly Invitae), Labcorp); PubMed 29386252 (cited by Labcorp Genetics (formerly Invitae), Labcorp); PubMed 29951630 (cited by Labcorp Genetics (formerly Invitae), Labcorp); PubMed 31492822 (cited by Labcorp Genetics (formerly Invitae), Labcorp); PubMed 17848412 (cited by Labcorp Genetics (formerly Invitae), Labcorp); PubMed 20208144 (cited by Labcorp Genetics (formerly Invitae), Labcorp).